The following is an entry in ClinVar:

NM_000218.3(KCNQ1):c.1750G>A (p.Gly584Ser)

Gene: KCNQ1 (potassium voltage-gated channel subfamily Q member 1; plus strand). Cytogenetic location: 11p15.5.
Variant type: single nucleotide variant.
Coding change: c.1750G>A on transcript NM_000218.3 (MANE Select); coding-DNA position 1750, G replaced by A.
Protein change: p.Gly584Ser; replaces glycine 584 with serine.
Molecular consequence: missense variant.
Genome position (GRCh38, 1-based): chr11:2,777,993, G>A. VCF-style: chr11-2777993-G-A. GRCh37 (hg19) VCF-style: chr11-2799223-G-A.
Other names: c.1750G>A (LRG_287t1); c.1654G>A, p.Gly552Ser (NM_001406836.1); c.1480G>A, p.Gly494Ser (NM_001406837.1); c.1210G>A, p.Gly404Ser (NM_001406838.1); c.262G>A, p.Gly88Ser (NM_001406839.1); c.1369G>A, p.Gly457Ser (NM_181798.2); short protein forms G584S, G457S, G404S, G494S, G552S, G88S.
Identifiers: ClinVar variation 67054 (VCV000067054.42), dbSNP rs199472811, ClinGen allele CA006316.

ClinVar aggregate classification (germline): Uncertain significance. Review status: criteria provided, multiple submitters, no conflicts (2 of 4 stars). 9 submissions from 9 submitters: Uncertain significance (8). 1 of the submissions does not count toward it. Last evaluated 2026-08-06.

Conditions:
Pituitary hormone deficiency.
Cardiovascular phenotype. Identifiers: MedGen CN230736.
Cardiac arrhythmia. Also called: Cardiac rhythm disease; Arrhythmia. Identifiers: MedGen C0003811, MONDO:0007263, HP:0011675.
Long QT syndrome 1 (LQT1). Identifiers: Orphanet 101016, Orphanet 768, MedGen C4551647, MONDO:0100316, OMIM 192500, MONDO:0008646.
Jervell and Lange-Nielsen syndrome 1 (JLNS1). Also called: CARDIOAUDITORY SYNDROME OF JERVELL AND LANGE-NIELSEN; DEAFNESS, CONGENITAL, AND FUNCTIONAL HEART DISEASE; PROLONGED QT INTERVAL IN EKG AND SUDDEN DEATH; SURDO-CARDIAC SYNDROME. Identifiers: Orphanet 768, Orphanet 90647, MedGen C4551509, MONDO:0024540, OMIM 220400.
Atrial fibrillation, familial, 3 (ATFB3). Identifiers: MedGen C1837014, MONDO:0011857, OMIM 607554.
Beckwith-Wiedemann syndrome (BWS). Also called: EMG SYNDROME; Exomphalos macroglossia gigantism syndrome. Identifiers: Orphanet 116, MedGen C0004903, MONDO:0007534, OMIM 130650.
Short QT syndrome type 2. Identifiers: Orphanet 51083, MedGen C1865019, MONDO:0012313, OMIM 609621.
Long QT syndrome (LQTS). Identifiers: MedGen C0023976, MeSH D008133, MONDO:0002442. Disease mechanism: loss of function. Inheritance: Various modes of inheritance.
SUDDEN INFANT DEATH SYNDROME (SIDS). Also called: Sudden Infant Death. Identifiers: MedGen C0038644, MeSH D013398, OMIM 272120.

Allele frequency attached by ClinVar (database versions not stated): gnomAD exomes 0.00002 and 0.00004; ExAC 0.00004; TOPMed 0.00005; 1000 Genomes Project 30x 0.00016; 1000 Genomes Project 0.00020.
gnomAD v4.1: 26 of 1,613,814 alleles (0.0016%); highest among the groups gnomAD compares: Admixed American, 0.017%; no homozygotes.

Submissions (9):

NHS Central & South Genomic Laboratory Hub
Classification: Uncertain significance for Pituitary hormone deficiency. Last evaluated: 2026-08-06. Review status: criteria provided, single submitter. Criteria: ACMG Guidelines, 2015. Collection method: clinical testing. Allele origin: germline. Affected: yes.

Dasa
Classification: Uncertain significance. Last evaluated: 2025-12-08. Review status: criteria provided, single submitter. Criteria: DASA Assertion Criteria. Collection method: clinical testing. Allele origin: germline.
Comment: NM_000218.3(KCNQ1):c.1750G>A (p.Gly584Ser) is a missense variant that results in the substitution of glycine with serine. Segregation data support an association with disease in the reported family/families (PMID: 19490267). Functional evidence supports an impact on the gene or gene product (PMID: 19490267; PMID: 22677073). This variant has been reported in individuals with KCNQ1-related disorders (PMID: 19490267). Also, this variant is rare in population databases. The currently available literature and clinical evidence are not sufficient to establish a definitive association between this variant and the reported condition. Therefore, this variant is classified as a variant of uncertain significance.

Color Diagnostics, LLC DBA Color Health
Classification: Uncertain significance for Cardiac arrhythmia. Last evaluated: 2025-11-21. Review status: criteria provided, single submitter. Criteria: ACMG Guidelines, 2015. Collection method: clinical testing. Allele origin: germline.
Comment: This missense variant replaces glycine with serine at codon 584 of the KCNQ1 protein. Computational prediction suggests that this variant may have deleterious impact on protein structure and function. To our knowledge, functional studies have not been reported for this variant. This variant has been reported in a child affected with sudden unexpected death (PMID: 17222736, 22677073). This variant has been identified in 26/1613814 chromosomes in the general population by the Genome Aggregation Database (gnomAD). The available evidence is insufficient to determine the role of this variant in disease conclusively. Therefore, this variant is classified as a Variant of Uncertain Significance.

Labcorp Genetics (formerly Invitae), Labcorp
Classification: Uncertain significance for Long QT syndrome. Last evaluated: 2025-06-16. Review status: criteria provided, single submitter. Criteria: Invitae Variant Classification Sherloc (09022015). Collection method: clinical testing. Allele origin: germline.
Comment: This sequence change replaces glycine, which is neutral and non-polar, with serine, which is neutral and polar, at codon 584 of the KCNQ1 protein (p.Gly584Ser). This variant is present in population databases (rs199472811, gnomAD 0.02%). This missense change has been observed in individual(s) with KCNQ1-related conditions (PMID: 17222736). ClinVar contains an entry for this variant (Variation ID: 67054). Invitae Evidence Modeling of protein sequence and biophysical properties (such as structural, functional, and spatial information, amino acid conservation, physicochemical variation, residue mobility, and thermodynamic stability) has been performed for this missense variant. However, the output from this modeling did not meet the statistical confidence thresholds required to predict the impact of this variant on KCNQ1 protein function. In summary, the available evidence is currently insufficient to determine the role of this variant in disease. Therefore, it has been classified as a Variant of Uncertain Significance.

All of Us Research Program, National Institutes of Health
Classification: Uncertain significance for Long QT syndrome. Last evaluated: 2024-09-23. Review status: criteria provided, single submitter. Criteria: ACMG Guidelines, 2015. Collection method: clinical testing. Allele origin: germline. Inheritance: Autosomal dominant inheritance. Observed: 8 variant alleles, 8 heterozygotes.
Comment: This missense variant replaces glycine with serine at codon 584 of the KCNQ1 protein. Computational prediction suggests that this variant may not impact protein structure and function (internally defined REVEL score threshold <= 0.5, PMID: 27666373). To our knowledge, functional studies have not been performed for this variant. This variant has been reported in a child affected with sudden unexpected death (PMID: 17222736, 22677073). This variant has also been identified in 11/251046 chromosomes in the general population by the Genome Aggregation Database (gnomAD). The available evidence is insufficient to determine the role of this variant in disease conclusively. Therefore, this variant is classified as a Variant of Uncertain Significance.

This study involves interpretation of variants in research participants for the purpose of population health screening. Participant phenotype was not available at the time of variant classification. Additional details can be found in publication PMID: 35346344, PMCID: PMC8962531

CeGaT Center for Human Genetics Tuebingen
Classification: Uncertain significance. Last evaluated: 2024-04-01. Review status: criteria provided, single submitter. Criteria: CeGaT Center For Human Genetics Tuebingen Variant Classification Criteria Version 2. Collection method: clinical testing. Allele origin: germline. Affected: yes. Observed: 1 variant allele.
Comment: KCNQ1: PM1

Fulgent Genetics
Classification: Uncertain significance for Beckwith-Wiedemann syndrome; Long QT syndrome 1; Jervell and Lange-Nielsen syndrome 1; Atrial fibrillation, familial, 3; Short QT syndrome type 2. Last evaluated: 2022-04-29. Review status: criteria provided, single submitter. Criteria: ACMG Guidelines, 2015. Collection method: clinical testing. Allele origin: unknown.

Ambry Genetics
Classification: Uncertain significance for Cardiovascular phenotype. Last evaluated: 2020-12-17. Review status: criteria provided, single submitter. Criteria: Ambry Variant Classification Scheme 2023. Collection method: clinical testing. Allele origin: germline.

Cardiovascular Biomedical Research Unit, Royal Brompton & Harefield NHS Foundation Trust
No classification provided. Condition: SUDDEN INFANT DEATH SYNDROME. Review status: no classification provided. Collection method: literature only. Allele origin: germline. Not counted in ClinVar's aggregate classification.
Comment: This variant has been reported as associated with Sudden infant death syndrome in the following publications (PMID:17222736;PMID:22677073). This is a literature report, and does not necessarily reflect the clinical interpretation of the Imperial College / Royal Brompton Cardiovascular Genetics laboratory.

Literature cited by the submitters: PubMed 19490267 (cited by Dasa); PubMed 22677073 (cited by 4 submitters); PubMed 17222736 (cited by 4 submitters); PubMed 22581653 (cited by Cardiovascular Biomedical Research Unit, Royal Brompton & Harefield NHS Foundation Trust).